The following is an entry in ClinVar:

NM_003924.4(PHOX2B):c.778G>C (p.Ala260Pro)

Gene: PHOX2B (paired like homeobox 2B; minus strand). Cytogenetic location: 4p13.
Variant type: single nucleotide variant.
Coding change: c.778G>C on transcript NM_003924.4 (MANE Select); coding-DNA position 778, G replaced by C.
Protein change: p.Ala260Pro; replaces alanine 260 with proline.
Molecular consequence: missense variant.
Genome position (GRCh38, 1-based): chr4:41,745,974, C>G on the plus strand (G>C on the coding strand, the complement: PHOX2B is on the minus strand). VCF-style: chr4-41745974-C-G. GRCh37 (hg19) VCF-style: chr4-41747991-C-G.
Other names: short protein forms A260P.
Identifiers: ClinVar variation 2561575 (VCV002561575.7), dbSNP rs1383528417, ClinGen allele CA356737153.

ClinVar aggregate classification (germline): Uncertain significance. Review status: criteria provided, multiple submitters, no conflicts (2 of 4 stars). 3 submissions from 3 submitters: Uncertain significance (3). Last evaluated 2025-06-09.

Conditions:
Neuroblastoma, susceptibility to, 2. Identifiers: Orphanet 635, MedGen C2751682, MONDO:0700041, OMIM 613013.
Hereditary cancer-predisposing syndrome. Also called: Neoplastic Syndromes, Hereditary; Hereditary Cancer Syndrome; Hereditary neoplastic syndrome; Tumor predisposition. Identifiers: Orphanet 140162, MedGen C0027672, MeSH D009386, MONDO:0015356.
Haddad syndrome (OHD). Also called: Ondine-Hirschsprung disease. Identifiers: Orphanet 99803, MedGen C1859049, MONDO:0020493.

Allele frequency attached by ClinVar (database versions not stated): gnomAD 0.00003; TOPMed 0.00003.

Submissions (3):

Ambry Genetics
Classification: Uncertain significance for Hereditary cancer-predisposing syndrome. Last evaluated: 2025-06-09. Review status: criteria provided, single submitter. Criteria: Ambry Variant Classification Scheme 2023. Collection method: clinical testing. Allele origin: germline.
Comment: The p.A260P variant (also known as c.778G>C), located in coding exon 3 of the PHOX2B gene, results from a G to C substitution at nucleotide position 778. The alanine at codon 260 is replaced by proline, an amino acid with highly similar properties. This amino acid position is conserved. In addition, the in silico prediction for this alteration is inconclusive. Since supporting evidence is limited at this time, the clinical significance of this alteration remains unclear.

Labcorp Genetics (formerly Invitae), Labcorp
Classification: Uncertain significance for Haddad syndrome. Last evaluated: 2025-01-06. Review status: criteria provided, single submitter. Criteria: Invitae Variant Classification Sherloc (09022015). Collection method: clinical testing. Allele origin: germline.
Comment: This sequence change replaces alanine, which is neutral and non-polar, with proline, which is neutral and non-polar, at codon 260 of the PHOX2B protein (p.Ala260Pro). This variant is not present in population databases (gnomAD no frequency). This variant has not been reported in the literature in individuals affected with PHOX2B-related conditions. ClinVar contains an entry for this variant (Variation ID: 2561575). Experimental studies and prediction algorithms are not available or were not evaluated, and the functional significance of this variant is currently unknown. In summary, the available evidence is currently insufficient to determine the role of this variant in disease. Therefore, it has been classified as a Variant of Uncertain Significance.

Baylor Genetics
Classification: Uncertain significance for Neuroblastoma, susceptibility to, 2. Last evaluated: 2023-09-19. Review status: criteria provided, single submitter. Criteria: ACMG Guidelines, 2015. Collection method: clinical testing. Allele origin: unknown.